The following is an entry in ClinVar:

NM_001080517.3(SETD5):c.2351G>A (p.Trp784Ter)

Gene: SETD5 (SET domain containing 5; plus strand). Cytogenetic location: 3p25.3.
Variant type: single nucleotide variant.
Coding change: c.2351G>A on transcript NM_001080517.3 (MANE Select); coding-DNA position 2351, G replaced by A.
Protein change: p.Trp784Ter; replaces tryptophan 784 with a stop codon.
Molecular consequence: nonsense.
Genome position (GRCh38, 1-based): chr3:9,453,743, G>A. VCF-style: chr3-9453743-G-A. GRCh37 (hg19) VCF-style: chr3-9495427-G-A.
Other names: c.2057G>A, p.Trp686Ter (NM_001292043.2, NM_001349451.2); c.2447G>A, p.Trp816Ter (NM_001437633.1); c.2408G>A, p.Trp803Ter (NM_001437635.1); c.2351G>A, p.Trp784Ter (NM_001437643.1); c.2390G>A, p.Trp797Ter (NM_001437701.1); short protein forms W686*, W784*, W797*, W803*, W816*.
Identifiers: ClinVar variation 4852240 (VCV004852240.1).

ClinVar aggregate classification (germline): Pathogenic (1 of 4 stars; one submission).

Conditions:
Intellectual disability-facial dysmorphism syndrome due to SETD5 haploinsufficiency (MRD23). Also called: Intellectual developmental disorder, autosomal dominant 23. Identifiers: Orphanet 404440, MedGen C3810406, MONDO:0014336, OMIM 615761.

Submission:

Variantyx, Inc.
Classification: Pathogenic for Intellectual disability-facial dysmorphism syndrome due to SETD5 haploinsufficiency. Last evaluated: 2026-01-20. Review status: criteria provided, single submitter. Criteria: Variantyx Assertion Criteria 2022. Collection method: clinical testing. Allele origin: de novo. Inheritance: Autosomal dominant inheritance. Affected: yes.
Comment: This is a nonsense variant in the SETD5 gene (OMIM: 615743). Pathogenic variants in this gene have been associated with autosomal dominant intellectual developmental disorder 23. The alteration introduces a premature termination codon in exon 17 out of 23 and is expected to result in loss of function, which is a known disease mechanism for SETD5 in this disorder (PMID: 25138099, 24680889, 32793091) (PVS1). This variant is absent from control populations (PM2), a d it has not been reported in individuals with SETD5-related disorders in the databases available for review. Based on the current evidence, this variant is classified as pathogenic for autosomal dominant intellectual developmental disorder 23.

Literature cited by the submitters: PubMed 25138099; PubMed 24680889.